The following is an entry in ClinVar:

NM_001367479.1(DNAH14):c.3029A>G (p.Lys1010Arg)

Gene: DNAH14 (dynein axonemal heavy chain 14; plus strand). Cytogenetic location: 1q42.12.
Variant type: single nucleotide variant.
Coding change: c.3029A>G on transcript NM_001367479.1 (MANE Select); coding-DNA position 3029, A replaced by G.
Protein change: p.Lys1010Arg; replaces lysine 1010 with arginine.
Molecular consequence: missense variant.
Genome position (GRCh38, 1-based): chr1:225,080,641, A>G. VCF-style: chr1-225080641-A-G. GRCh37 (hg19) VCF-style: chr1-225268343-A-G.
Other names: short protein forms K1010R.
Identifiers: ClinVar variation 402647 (VCV000402647.5), dbSNP rs3128651, ClinGen allele CA1415844.

ClinVar aggregate classification (germline): Benign. Review status: criteria provided, multiple submitters, no conflicts (2 of 4 stars). 2 submissions from 2 submitters: Benign (2). Last evaluated 2016-03-28.

Allele frequency attached by ClinVar (database versions not stated): 1000 Genomes Project 30x 0.69722; 1000 Genomes Project 0.70327; TOPMed 0.76876; gnomAD 0.79192 and 0.79567; ESP Exome Variant Server 0.82676; ExAC 0.86543; gnomAD exomes 0.86950 and 0.93236.
gnomAD v4.1: 1,423,653 of 1,551,318 alleles (92%); highest among the groups gnomAD compares: Non-Finnish European, 96%; 663,891 homozygotes.

Submissions (2):

Laboratory for Molecular Medicine, Mass General Brigham Personalized Medicine
Classification: Benign. Last evaluated: 2016-03-28. Review status: criteria provided, single submitter. Criteria: LMM Criteria. Collection method: clinical testing. Allele origin: germline.
Comment: Variant identified in a genome or exome case(s) and assessed due to predicted null impact of the variant or pathogenic assertions in the literature or databases. Disclaimer: This variant has not undergone full assessment. The following are preliminary notes: Frequency

Breakthrough Genomics
Classification: Benign. Review status: criteria provided, single submitter. Criteria: ACMG Guidelines, 2015. Collection method: not provided. Allele origin: germline. Inheritance: Unknown mechanism. Affected: yes.